The following is an entry in ClinVar:

NM_005802.5(TOPORS):c.1538T>C (p.Val513Ala)

Gene: TOPORS (TOP1 binding arginine/serine rich protein, E3 ubiquitin ligase; minus strand). Cytogenetic location: 9p21.1.
Variant type: single nucleotide variant.
Coding change: c.1538T>C on transcript NM_005802.5 (MANE Select); coding-DNA position 1538, T replaced by C.
Protein change: p.Val513Ala; replaces valine 513 with alanine.
Molecular consequence: missense variant.
Genome position (GRCh38, 1-based): chr9:32,542,987, A>G on the plus strand (T>C on the coding strand, the complement: TOPORS is on the minus strand). VCF-style: chr9-32542987-A-G. GRCh37 (hg19) VCF-style: chr9-32542985-A-G.
Other names: c.1343T>C, p.Val448Ala (NM_001195622.2); short protein forms V448A, V513A.
Identifiers: ClinVar variation 1961280 (VCV001961280.5), dbSNP rs910357164, ClinGen allele CA192359016.

ClinVar aggregate classification (germline): Uncertain significance (1 of 4 stars; one submission).

Allele frequency attached by ClinVar (database versions not stated): gnomAD exomes below 0.00001; TOPMed 0.00002; gnomAD 0.00003.
gnomAD v4.1: 6 of 1,614,040 alleles (0.00037%); highest among the groups gnomAD compares: African/African-American, 0.0053%; no homozygotes.

Submission:

Labcorp Genetics (formerly Invitae), Labcorp
Classification: Uncertain significance. Last evaluated: 2022-07-31. Review status: criteria provided, single submitter. Criteria: Invitae Variant Classification Sherloc (09022015). Collection method: clinical testing. Allele origin: germline.
Comment: This sequence change replaces valine, which is neutral and non-polar, with alanine, which is neutral and non-polar, at codon 513 of the TOPORS protein (p.Val513Ala). In summary, the available evidence is currently insufficient to determine the role of this variant in disease. Therefore, it has been classified as a Variant of Uncertain Significance. Algorithms developed to predict the effect of missense changes on protein structure and function output the following: SIFT: "Tolerated"; PolyPhen-2: "Benign"; Align-GVGD: "Class C0". The alanine amino acid residue is found in multiple mammalian species, which suggests that this missense change does not adversely affect protein function. This variant has not been reported in the literature in individuals affected with TOPORS-related conditions. This variant is present in population databases (no rsID available, gnomAD 0.007%).